The following is an entry in ClinVar:

NM_174916.3(UBR1):c.588A>T (p.Ser196=)

Gene: UBR1 (ubiquitin protein ligase E3 component n-recognin 1; minus strand). Cytogenetic location: 15q15.2.
Variant type: single nucleotide variant.
Coding change: c.588A>T on transcript NM_174916.3 (MANE Select); coding-DNA position 588, A replaced by T.
Protein change: p.Ser196=; no amino-acid change (serine 196 retained).
Molecular consequence: synonymous variant.
Genome position (GRCh38, 1-based): chr15:43,070,866, T>A on the plus strand (A>T on the coding strand, the complement: UBR1 is on the minus strand). VCF-style: chr15-43070866-T-A. GRCh37 (hg19) VCF-style: chr15-43363064-T-A.
Other names: c.588A>T (NM_174916.2).
Identifiers: ClinVar variation 2903340 (VCV002903340.5), dbSNP rs200217429, ClinGen allele CA7518982.

ClinVar aggregate classification (germline): Likely benign. Review status: criteria provided, single submitter (1 of 4 stars). 2 submissions from 2 submitters: Likely benign (1). 1 of the submissions does not count toward it. Last evaluated 2023-12-28.

Conditions:
UBR1-related disorder. Also called: UBR1-related condition.

gnomAD v4.1: 108 of 1,613,778 alleles (0.0067%); highest among the groups gnomAD compares: Middle Eastern, 0.066%; no homozygotes.

Submissions (2):

Labcorp Genetics (formerly Invitae), Labcorp
Classification: Likely benign. Last evaluated: 2023-12-28. Review status: criteria provided, single submitter. Criteria: Invitae Variant Classification Sherloc (09022015). Collection method: clinical testing. Allele origin: germline.

PreventionGenetics, part of Exact Sciences
Classification: Likely benign for UBR1-related condition. Last evaluated: 2021-07-21. Review status: no assertion criteria provided. Collection method: clinical testing. Allele origin: germline. Not counted in ClinVar's aggregate classification.
Comment: This variant is classified as likely benign based on ACMG/AMP sequence variant interpretation guidelines (Richards et al. 2015 PMID: 25741868, with internal and published modifications).